The following is an entry in ClinVar:

NM_004364.5(CEBPA):c.688_711dup (p.Pro237_Ala238insThrProValProSerProHisPro)

Gene: CEBPA (CCAAT enhancer binding protein alpha; minus strand). Cytogenetic location: 19q13.11.
Variant type: Duplication.
Coding change: c.688_711dup on transcript NM_004364.5 (MANE Select); coding-DNA positions 688 to 711, 24 bases duplicated (ACGCCCGTGCCCAGCCCGCACCCC).
Protein change: p.Pro237_Ala238insThrProValProSerProHisPro.
Molecular consequence: inframe indel (on NM_004364.3).
Genome position (GRCh38, 1-based): chr19:33,301,704-33,301,727, GGGGTGCGGGCTGGGCACGGGCGT duplicated on the plus strand (ACGCCCGTGCCCAGCCCGCACCCC on the coding strand, the reverse complement: CEBPA is on the minus strand); duplicating any 24 consecutive bases within chr19:33,301,704-33,301,730 gives the same sequence; the c. name uses the placement nearest the transcript's 3' end. VCF-style (leftmost placement, unchanged base first): chr19-33301703-C-CGGGGTGCGGGCTGGGCACGGGCGT. GRCh37 (hg19) VCF-style: chr19-33792609-C-CGGGGTGCGGGCTGGGCACGGGCGT.
Other names: c.331_354dup, p.Pro118_Ala119insThrProValProSerProHisPro (NM_001285829.2); c.688_711dupACGCCCGTGCCCAGCCCGCACCCC (NM_004364.3); c.793_816dup, p.Pro272_Ala273insThrProValProSerProHisPro (NM_001287424.2); c.646_669dup, p.Pro223_Ala224insThrProValProSerProHisPro (NM_001287435.2).
Identifiers: ClinVar variation 4843305 (VCV004843305.1).

ClinVar aggregate classification (germline): Uncertain significance (1 of 4 stars; one submission).

Conditions:
Inborn genetic diseases. Identifiers: MedGen C0950123, MeSH D030342.

Submission:

Ambry Genetics
Classification: Uncertain significance for Inborn genetic diseases. Last evaluated: 2026-01-23. Review status: criteria provided, single submitter. Criteria: Ambry Variant Classification Scheme 2023. Collection method: clinical testing. Allele origin: germline.
Comment: The c.688_711dup24 variant (also known as p.T230_P237dup), located in coding exon 1 of the CEBPA gene, results from an in-frame duplication of 24 nucleotides at nucleotide positions 688 to 711. This results in the duplication of 8 extra residues (TPVPSPHP) between codons 230 and 237. This amino acid region is not well conserved in available vertebrate species. Based on the available evidence, the clinical significance of this variant remains unclear.